The following is an entry in ClinVar:

ClinVar aggregate classification (germline): Uncertain significance (1 of 4 stars; one submission).

Conditions:
FADD-related immunodeficiency. Also called: Infections, recurrent, with encephalopathy, hepatic dysfunction, and cardiovascular malformations; FADD DEFICIENCY. Identifiers: Orphanet 306550, MedGen C3151062, MONDO:0013408, OMIM 613759.

Allele frequency attached by ClinVar (database versions not stated): gnomAD exomes below 0.00001.

Submission:

Labcorp Genetics (formerly Invitae), Labcorp
Classification: Uncertain significance for FADD-related immunodeficiency. Last evaluated: 2020-10-27. Review status: criteria provided, single submitter. Criteria: Invitae Variant Classification Sherloc (09022015). Collection method: clinical testing. Allele origin: germline.
Comment: In summary, the available evidence is currently insufficient to determine the role of this variant in disease. Therefore, it has been classified as a Variant of Uncertain Significance. Algorithms developed to predict the effect of sequence changes on RNA splicing suggest that this variant may create or strengthen a splice site, but this prediction has not been confirmed by published transcriptional studies. Algorithms developed to predict the effect of missense changes on protein structure and function output the following: SIFT: "Tolerated"; PolyPhen-2: "Benign"; Align-GVGD: "Class C0". The valine amino acid residue is found in multiple mammalian species, suggesting that this missense change does not adversely affect protein function. These predictions have not been confirmed by published functional studies and their clinical significance is uncertain. This variant has not been reported in the literature in individuals with FADD-related conditions. This variant is not present in population databases (ExAC no frequency). This sequence change replaces isoleucine with valine at codon 104 of the FADD protein (p.Ile104Val). The isoleucine residue is moderately conserved and there is a small physicochemical difference between isoleucine and valine.

NM_003824.4(FADD):c.310A>G (p.Ile104Val)

Gene: FADD (Fas associated via death domain; plus strand). Cytogenetic location: 11q13.3.
Variant type: single nucleotide variant.
Coding change: c.310A>G on transcript NM_003824.4 (MANE Select); coding-DNA position 310, A replaced by G.
Protein change: p.Ile104Val; replaces isoleucine 104 with valine.
Molecular consequence: missense variant.
Genome position (GRCh38, 1-based): chr11:70,206,156, A>G. VCF-style: chr11-70206156-A-G. GRCh37 (hg19) VCF-style: chr11-70052262-A-G.
Other names: short protein forms I104V.
Identifiers: ClinVar variation 1494177 (VCV001494177.8), dbSNP rs2135899812, ClinGen allele CA381665917.